The following is an entry in ClinVar:

ClinVar aggregate classification (germline): Uncertain significance (1 of 4 stars; one submission).

Conditions:
Early-infantile DEE. Also called: Ohtahara syndrome; Early infantile epileptic encephalopathy with suppression bursts; Early infantile epileptic encephalopathy. Identifiers: Orphanet 1934, MedGen C0393706, MONDO:0800491.

Allele frequency attached by ClinVar (database versions not stated): gnomAD exomes below 0.00001 and 0.00001; ExAC 0.00001; gnomAD 0.00001 and 0.00002; TOPMed 0.00001; 1000 Genomes Project 30x 0.00016; 1000 Genomes Project 0.00040.
gnomAD v4.1: 15 of 1,595,412 alleles (0.00094%); highest among the groups gnomAD compares: East Asian, 0.011%; no homozygotes.

Submission:

Labcorp Genetics (formerly Invitae), Labcorp
Classification: Uncertain significance for Early-infantile DEE. Last evaluated: 2024-10-16. Review status: criteria provided, single submitter. Criteria: Invitae Variant Classification Sherloc (09022015). Collection method: clinical testing. Allele origin: germline.
Comment: This sequence change replaces glutamic acid, which is acidic and polar, with lysine, which is basic and polar, at codon 656 of the KCNQ2 protein (p.Glu656Lys). This variant is present in population databases (rs545544936, gnomAD 0.0009%). This missense change has been observed in individual(s) with epilepsy (PMID: 31164858). ClinVar contains an entry for this variant (Variation ID: 961623). Invitae Evidence Modeling of protein sequence and biophysical properties (such as structural, functional, and spatial information, amino acid conservation, physicochemical variation, residue mobility, and thermodynamic stability) has been performed for this missense variant. However, the output from this modeling did not meet the statistical confidence thresholds required to predict the impact of this variant on KCNQ2 protein function. In summary, the available evidence is currently insufficient to determine the role of this variant in disease. Therefore, it has been classified as a Variant of Uncertain Significance.

Literature cited by the submitters: PubMed 31164858.

NM_172107.4(KCNQ2):c.1966G>A (p.Glu656Lys)

Gene: KCNQ2 (potassium voltage-gated channel subfamily Q member 2; minus strand). Cytogenetic location: 20q13.33.
Variant type: single nucleotide variant.
Coding change: c.1966G>A on transcript NM_172107.4 (MANE Select); coding-DNA position 1966, G replaced by A.
Protein change: p.Glu656Lys; replaces glutamic acid 656 with lysine.
Molecular consequence: missense variant.
Genome position (GRCh38, 1-based): chr20:63,407,297, C>T on the plus strand (G>A on the coding strand, the complement: KCNQ2 is on the minus strand). VCF-style: chr20-63407297-C-T. GRCh37 (hg19) VCF-style: chr20-62038650-C-T.
Other names: c.2020G>A, p.Glu674Lys (NM_001382235.1); c.1882G>A, p.Glu628Lys (NM_004518.6); c.1912G>A, p.Glu638Lys (NM_172106.3); c.1873G>A, p.Glu625Lys (NM_172108.5); short protein forms E625K, E638K, E674K, E656K, E628K.
Identifiers: ClinVar variation 961623 (VCV000961623.9), dbSNP rs545544936, ClinGen allele CA9958185.